The following is an entry in ClinVar:

NM_000398.7(CYB5R3):c.776G>A (p.Arg259Gln)

Gene: CYB5R3 (cytochrome b5 reductase 3; minus strand). Cytogenetic location: 22q13.2.
Variant type: single nucleotide variant.
Coding change: c.776G>A on transcript NM_000398.7 (MANE Select); coding-DNA position 776, G replaced by A.
Protein change: p.Arg259Gln; replaces arginine 259 with glutamine.
Molecular consequence: missense variant.
Genome position (GRCh38, 1-based): chr22:42,619,903, C>T on the plus strand (G>A on the coding strand, the complement: CYB5R3 is on the minus strand). VCF-style: chr22-42619903-C-T. GRCh37 (hg19) VCF-style: chr22-43015909-C-T.
Other names: c.776G>A, p.Arg259Gln (NM_001031678.1); c.707G>A, p.Arg236Gln (NM_001129819.2, NM_001171661.1, NM_007326.4); c.875G>A, p.Arg292Gln (NM_001171660.2); short protein forms R236Q, R292Q, R259Q.
Identifiers: ClinVar variation 1896098 (VCV001896098.6), dbSNP rs769788490, ClinGen allele CA10269579.

ClinVar aggregate classification (germline): Uncertain significance. Review status: criteria provided, multiple submitters, no conflicts (2 of 4 stars). 2 submissions from 2 submitters: Uncertain significance (2). Last evaluated 2024-05-02.

Allele frequency attached by ClinVar (database versions not stated): ExAC 0.00001.

Submissions (2):

ARUP Laboratories, Molecular Genetics and Genomics, ARUP Laboratories
Classification: Uncertain significance. Last evaluated: 2024-05-02. Review status: criteria provided, single submitter. Criteria: ARUP Molecular Germline Variant Investigation Process 2024. Collection method: clinical testing. Allele origin: germline.

Labcorp Genetics (formerly Invitae), Labcorp
Classification: Uncertain significance. Last evaluated: 2022-08-22. Review status: criteria provided, single submitter. Criteria: Invitae Variant Classification Sherloc (09022015). Collection method: clinical testing. Allele origin: germline.
Comment: In summary, the available evidence is currently insufficient to determine the role of this variant in disease. Therefore, it has been classified as a Variant of Uncertain Significance. Algorithms developed to predict the effect of missense changes on protein structure and function (SIFT, PolyPhen-2, Align-GVGD) all suggest that this variant is likely to be tolerated. This variant has not been reported in the literature in individuals affected with CYB5R3-related conditions. The frequency data for this variant in the population databases is considered unreliable, as metrics indicate poor data quality at this position in the gnomAD database. This sequence change replaces arginine, which is basic and polar, with glutamine, which is neutral and polar, at codon 259 of the CYB5R3 protein (p.Arg259Gln).